The following is an entry in ClinVar:

ClinVar aggregate classification (germline): Uncertain significance. Review status: criteria provided, multiple submitters, no conflicts (2 of 4 stars). 2 submissions from 2 submitters: Uncertain significance (2). Last evaluated 2022-10-26.

Conditions:
Epileptic encephalopathy. Identifiers: MedGen C0543888, HP:0200134.

Allele frequency attached by ClinVar (database versions not stated): gnomAD exomes below 0.00001.
gnomAD v4.1: 6 of 1,595,384 alleles (0.00038%); highest among the groups gnomAD compares: Non-Finnish European, 0.00051%; no homozygotes.

Submissions (2):

Labcorp Genetics (formerly Invitae), Labcorp
Classification: Uncertain significance for Epileptic encephalopathy. Last evaluated: 2022-10-26. Review status: criteria provided, single submitter. Criteria: Invitae Variant Classification Sherloc (09022015). Collection method: clinical testing. Allele origin: germline.
Comment: This sequence change replaces threonine, which is neutral and polar, with asparagine, which is neutral and polar, at codon 65 of the GABBR2 protein (p.Thr65Asn). This variant is not present in population databases (gnomAD no frequency). This variant has not been reported in the literature in individuals affected with GABBR2-related conditions. ClinVar contains an entry for this variant (Variation ID: 1302512). Advanced modeling of protein sequence and biophysical properties (such as structural, functional, and spatial information, amino acid conservation, physicochemical variation, residue mobility, and thermodynamic stability) performed at Invitae indicates that this missense variant is not expected to disrupt GABBR2 protein function. In summary, the available evidence is currently insufficient to determine the role of this variant in disease. Therefore, it has been classified as a Variant of Uncertain Significance.

GeneDx
Classification: Uncertain significance. Last evaluated: 2019-02-25. Review status: criteria provided, single submitter. Criteria: GeneDx Variant Classification Process June 2021. Collection method: clinical testing. Allele origin: germline. Affected: yes.
Comment: Not observed in large population cohorts (Lek et al., 2016); In silico analysis, which includes protein predictors and evolutionary conservation, supports that this variant does not alter protein structure/function; Has not been previously published as pathogenic or benign to our knowledge

NM_005458.8(GABBR2):c.194C>A (p.Thr65Asn)

Gene: GABBR2 (gamma-aminobutyric acid type B receptor subunit 2; minus strand). Cytogenetic location: 9q22.33.
Variant type: single nucleotide variant.
Coding change: c.194C>A on transcript NM_005458.8 (MANE Select); coding-DNA position 194, C replaced by A.
Protein change: p.Thr65Asn; replaces threonine 65 with asparagine.
Molecular consequence: missense variant.
Genome position (GRCh38, 1-based): chr9:98,708,544, G>T on the plus strand (C>A on the coding strand, the complement: GABBR2 is on the minus strand). VCF-style: chr9-98708544-G-T. GRCh37 (hg19) VCF-style: chr9-101470826-G-T.
Other names: short protein forms T65N.
Identifiers: ClinVar variation 1302512 (VCV001302512.5), dbSNP rs2131892959, ClinGen allele CA374212656.
Genomic context (GRCh38, chr9:98,708,544, plus strand): 5'-ATGGCCAGTTCCACGGCGGGGAGCACACCGCGCCCGATGCTGCCCTTGGCCACCTCCTTG[G>T]TGAGCGGCATGAGGCCCATGATGGAGAGCGGCGGGCTGCTGGGCGGCGGCCGGGGGGCGC-3'
Protein context (NP_005449.5, residues 55-75): PLSIMGLMPL[Thr65Asn]KEVAKGSIGR